The following is an entry in ClinVar:

ClinVar aggregate classification (germline): Uncertain significance. Review status: reviewed by expert panel (3 of 4 stars). 3 submissions from 3 submitters: Uncertain significance (1). 2 of the submissions do not count toward it. Last evaluated 2024-10-29.

Conditions:
Inborn genetic diseases. Identifiers: MedGen C0950123, MeSH D030342.
Hereditary thrombocytopenia and hematological cancer predisposition syndrome associated with RUNX1. Also called: Familial Platelet Disorder with Propensity to Acute Myelogenous Leukemia; Familial thrombocytopenia with propensity to acute myelogenous leukemia; RUNX1 Familial Platelet Disorder with Associated Myeloid Malignancies; PLATELET DISORDER, ASPIRIN-LIKE. Identifiers: Orphanet 71290, MedGen C1832388, MeSH C563324, MONDO:0100083, OMIM 601399.
Hereditary thrombocytopenia and hematologic cancer predisposition syndrome. Identifiers: Orphanet 71290, MedGen CN281654, MONDO:0011071.

Allele frequency attached by ClinVar (database versions not stated): TOPMed 0.00001.
gnomAD v4.1: 6 of 1,582,550 alleles (0.00038%); highest among the groups gnomAD compares: Non-Finnish European, 0.00051%; no homozygotes.

Submissions (3):

ClinGen Myeloid Malignancy Variant Curation Expert Panel
Classification: Uncertain significance for Hereditary thrombocytopenia and hematologic cancer predisposition syndrome. Last evaluated: 2024-10-29. Review status: reviewed by expert panel. Criteria: ClinGen MyeloMalig ACMG Specifications v2. Collection method: curation. Allele origin: germline. Inheritance: Autosomal dominant inheritance.
Comment: NM_001754.5(RUNX1):c.969G>A (p.Thr323=) is a synonymous variant which has a SpliceAI score ≥ 0.38 (Acceptor Gain, 0.69) (PP3). This may lead to an aberrant splicing profile, but other evidence is missing for this variant. In summary, the clinical significance of this variant is uncertain. ACMG/AMP criteria applied, as specified by the Myeloid Malignancy Variant Curation Expert Panel for RUNX1: PP3.

Ambry Genetics
Classification: Likely benign for Inborn genetic diseases. Last evaluated: 2025-01-08. Review status: criteria provided, single submitter. Criteria: Ambry Variant Classification Scheme 2023. Collection method: clinical testing. Allele origin: germline. Not counted in ClinVar's aggregate classification.

Labcorp Genetics (formerly Invitae), Labcorp
Classification: Likely benign for Hereditary thrombocytopenia and hematological cancer predisposition syndrome associated with RUNX1. Last evaluated: 2024-04-15. Review status: criteria provided, single submitter. Criteria: Invitae Variant Classification Sherloc (09022015). Collection method: clinical testing. Allele origin: germline. Not counted in ClinVar's aggregate classification.

NM_001754.5(RUNX1):c.969G>A (p.Thr323=)

Gene: RUNX1 (RUNX family transcription factor 1; minus strand). Cytogenetic location: 21q22.12.
Variant type: single nucleotide variant.
Coding change: c.969G>A on transcript NM_001754.5 (MANE Select); coding-DNA position 969, G replaced by A.
Protein change: p.Thr323=; no amino-acid change (threonine 323 retained).
Molecular consequence: synonymous variant.
Genome position (GRCh38, 1-based): chr21:34,792,609, C>T on the plus strand (G>A on the coding strand, the complement: RUNX1 is on the minus strand). VCF-style: chr21-34792609-C-T. GRCh37 (hg19) VCF-style: chr21-36164906-C-T.
Other names: NM_001754.5(RUNX1):c.969G>A; p.Thr323=; c.888G>A, p.Thr296= (NM_001001890.3).
Identifiers: ClinVar variation 646645 (VCV000646645.10), dbSNP rs768331461, ClinGen allele CA512341405.